The following is an entry in ClinVar:

ClinVar aggregate classification (germline): Uncertain significance (1 of 4 stars; one submission).

Submission:

GeneDx
Classification: Uncertain significance. Last evaluated: 2024-11-18. Review status: criteria provided, single submitter. Criteria: GeneDx Variant Classification Process June 2021. Collection method: clinical testing. Allele origin: germline. Affected: yes.
Comment: In-frame deletion of 1 amino acid in a non-repeat region; Not observed at significant frequency in large population cohorts (gnomAD); In silico analysis supports a deleterious effect on protein structure/function; Has not been previously published as pathogenic or benign to our knowledge

NM_001258392.3(CLPB):c.1694ACA[1] (p.Asn566del)

Gene: CLPB (ClpB family mitochondrial disaggregase; minus strand). Cytogenetic location: 11q13.4.
Variant type: Microsatellite.
Coding change: c.1694ACA[1] on transcript NM_001258392.3 (MANE Select); one copy of the 3-base unit ACA starting at c.1694; the reference has two copies in a row; one copy, 3 bases deleted.
Protein change: p.Asn566del; deletes asparagine 566.
Molecular consequence: inframe deletion.
Genome position (GRCh38, 1-based): chr11:72,294,108-72,294,110, TGT deleted on the plus strand (ACA on the coding strand, the reverse complement: CLPB is on the minus strand); deleting any 3 consecutive bases within chr11:72,294,108-72,294,113 gives the same sequence; the position shown is the placement nearest the transcript's 3' end. VCF-style (leftmost placement, unchanged base first): chr11-72294107-ATGT-A. GRCh37 (hg19) VCF-style: chr11-72005151-ATGT-A.
Other names: c.1607ACA[1], p.Asn537del (NM_001258393.3); c.1649ACA[1], p.Asn551del (NM_001258394.3); c.1784ACA[1], p.Asn596del (NM_030813.6); short protein forms N537del, N551del, N566del, N596del.
Identifiers: ClinVar variation 3899423 (VCV003899423.1).